The following is an entry in ClinVar:

NM_001369268.1(ACAN):c.3637G>A (p.Ala1213Thr)

Gene: ACAN (aggrecan; plus strand). Cytogenetic location: 15q26.1.
Variant type: single nucleotide variant.
Coding change: c.3637G>A on transcript NM_001369268.1 (MANE Select); coding-DNA position 3637, G replaced by A.
Protein change: p.Ala1213Thr; replaces alanine 1213 with threonine.
Molecular consequence: missense variant.
Genome position (GRCh38, 1-based): chr15:88,856,222, G>A. VCF-style: chr15-88856222-G-A. GRCh37 (hg19) VCF-style: chr15-89399453-G-A.
Other names: c.3637G>A, p.Ala1213Thr (NM_001135.4, NM_013227.4); short protein forms A1213T.
Identifiers: ClinVar variation 1077086 (VCV001077086.6), dbSNP rs11638262, ClinGen allele CA274481240.
Genomic context (GRCh38, chr15:88,856,222, plus strand): 5'-ACCGCTGCCCCTGGAGTAGAGGACATCAGCGGGCTTCCTTCTGGAGAAGTTCTAGAGACC[G>A]CTGCCCCTGGAGTAGAGGACATCAGCGGGCTTCCTTCTGGAGAAGTTCTAGAGACTGCTG-3'
Protein context (NP_001356197.1, residues 1203-1223): GLPSGEVLET[Ala1213Thr]APGVEDISGL

ClinVar aggregate classification (germline): Benign/Likely benign. Review status: criteria provided, multiple submitters, no conflicts (2 of 4 stars). 3 submissions from 3 submitters: Benign (2); Likely benign (1). Last evaluated 2026-05-08.

Conditions:
Spondyloepimetaphyseal dysplasia, aggrecan type. Also called: SEMD, AGGRECAN TYPE. Identifiers: Orphanet 171866, MedGen C2748544, MONDO:0013014, OMIM 612813.

Allele frequency attached by ClinVar (database versions not stated): gnomAD 0.50000.

Submissions (3):

Women's Health and Genetics/Laboratory Corporation of America, LabCorp
Classification: Likely benign. Last evaluated: 2026-05-08. Review status: criteria provided, single submitter. Criteria: LabCorp Variant Classification Summary - May 2015. Collection method: clinical testing. Allele origin: germline.

Genome-Nilou Lab
Classification: Benign for Spondyloepimetaphyseal dysplasia, aggrecan type. Last evaluated: 2021-04-10. Review status: criteria provided, single submitter. Criteria: ACMG Guidelines, 2015. Collection method: clinical testing. Allele origin: germline. Inheritance: Autosomal recessive inheritance. Affected: no. Observed: 1 variant allele, 1 homozygote.

GeneDx
Classification: Benign. Last evaluated: 2019-10-05. Review status: criteria provided, single submitter. Criteria: GeneDx Variant Classification Process June 2021. Collection method: clinical testing. Allele origin: germline. Affected: yes.